The following is an entry in ClinVar:

NM_001999.4(FBN2):c.2096-224A>G

Gene: FBN2 (fibrillin 2; minus strand). Cytogenetic location: 5q23.3.
Variant type: single nucleotide variant.
Coding change: c.2096-224A>G on transcript NM_001999.4 (MANE Select); 224 bases into the intron before coding-DNA position 2096, A replaced by G.
Molecular consequence: intron variant.
Genome position (GRCh38, 1-based): chr5:128,369,558, T>C on the plus strand (A>G on the coding strand, the complement: FBN2 is on the minus strand). VCF-style: chr5-128369558-T-C. GRCh37 (hg19) VCF-style: chr5-127705251-T-C.
Identifiers: ClinVar variation 678488 (VCV000678488.1), dbSNP rs331098, ClinGen allele CA12122363.
Genomic context (GRCh38, chr5:128,369,558, plus strand): 5'-ACAAATGTTTTCTGAGTGAGGAAAAGAATGGATGCATATCACCGACTCTGTTTTCTTTAA[T>C]AAGTTTTATGAGCTACACAGTATCCATTGTCCGATGTATTCTTACAAACCTTTTGTGAAA-3'

ClinVar aggregate classification (germline): Benign (1 of 4 stars; one submission).

Allele frequency attached by ClinVar (database versions not stated): 1000 Genomes Project 30x 0.27561; 1000 Genomes Project 0.27636; gnomAD 0.34208 and 0.34407; TOPMed 0.35002.
gnomAD v4.1: 52,282 of 152,180 alleles (34%); highest among the groups gnomAD compares: Admixed American, 46%; 10,407 homozygotes.

Submission:

GeneDx
Classification: Benign. Last evaluated: 2018-06-14. Review status: criteria provided, single submitter. Criteria: GeneDx Variant Classification (06012015). Collection method: clinical testing. Allele origin: germline. Affected: yes.
Comment: This variant is considered likely benign or benign based on one or more of the following criteria: it is a conservative change, it occurs at a poorly conserved position in the protein, it is predicted to be benign by multiple in silico algorithms, and/or has population frequency not consistent with disease.